The following is an entry in ClinVar:

NM_004369.4(COL6A3):c.6889G>A (p.Gly2297Arg)

Gene: COL6A3 (collagen type VI alpha 3 chain; minus strand). Cytogenetic location: 2q37.3.
Variant type: single nucleotide variant.
Coding change: c.6889G>A on transcript NM_004369.4 (MANE Select); coding-DNA position 6889, G replaced by A.
Protein change: p.Gly2297Arg; replaces glycine 2297 with arginine.
Molecular consequence: missense variant.
Genome position (GRCh38, 1-based): chr2:237,348,654, C>T on the plus strand (G>A on the coding strand, the complement: COL6A3 is on the minus strand). VCF-style: chr2-237348654-C-T. GRCh37 (hg19) VCF-style: chr2-238257297-C-T.
Other names: c.5068G>A, p.Gly1690Arg (NM_057166.5); c.6271G>A, p.Gly2091Arg (NM_057167.4); short protein forms G1690R, G2091R, G2297R.
Identifiers: ClinVar variation 837564 (VCV000837564.10), dbSNP rs1224613890, ClinGen allele CA351208411.

ClinVar aggregate classification (germline): Uncertain significance (1 of 4 stars; one submission).

Conditions:
Bethlem myopathy 1A. Also called: MYOPATHY, BENIGN CONGENITAL, WITH CONTRACTURES; Bethlem Muscular Dystrophy; Bethlem myopathy 1. Identifiers: Orphanet 610, MedGen CN029274, MONDO:0024530, OMIM 158810.

Allele frequency attached by ClinVar (database versions not stated): gnomAD 0.00001; gnomAD exomes 0.00001 and below 0.00001.
gnomAD v4.1: 12 of 1,614,086 alleles (0.00074%); highest among the groups gnomAD compares: East Asian, 0.0022%; no homozygotes.

Submission:

Labcorp Genetics (formerly Invitae), Labcorp
Classification: Uncertain significance for Bethlem myopathy 1A. Last evaluated: 2025-04-18. Review status: criteria provided, single submitter. Criteria: Invitae Variant Classification Sherloc (09022015). Collection method: clinical testing. Allele origin: germline.
Comment: This sequence change replaces glycine, which is neutral and non-polar, with arginine, which is basic and polar, at codon 2297 of the COL6A3 protein (p.Gly2297Arg). This variant is present in population databases (no rsID available, gnomAD 0.0009%). This variant has not been reported in the literature in individuals affected with COL6A3-related conditions. ClinVar contains an entry for this variant (Variation ID: 837564). Invitae Evidence Modeling of protein sequence and biophysical properties (such as structural, functional, and spatial information, amino acid conservation, physicochemical variation, residue mobility, and thermodynamic stability) indicates that this missense variant is expected to disrupt COL6A3 protein function with a positive predictive value of 80%. In summary, the available evidence is currently insufficient to determine the role of this variant in disease. Therefore, it has been classified as a Variant of Uncertain Significance.